The following is an entry in ClinVar:

ClinVar aggregate classification (germline): Benign/Likely benign. Review status: criteria provided, multiple submitters, no conflicts (2 of 4 stars). 8 submissions from 8 submitters: Benign (4); Likely benign (4). Last evaluated 2026-05-11.

Conditions:
Thyroid dyshormonogenesis 6 (TDH6). Also called: THYROID HORMONOGENESIS, GENETIC DEFECT IN, 6; Genetic transient congenital hypothyroidism; HYPOTHYROIDISM, CONGENITAL, DUE TO DYSHORMONOGENESIS, 6. Identifiers: Orphanet 226316, Orphanet 95716, MedGen C1846632, MONDO:0011792, OMIM 607200.

Allele frequency attached by ClinVar (database versions not stated): TOPMed 0.04647; ExAC 0.04804; 1000 Genomes Project 0.03135; 1000 Genomes Project 30x 0.03201; ESP Exome Variant Server 0.03533.
gnomAD v4.1: 85,163 of 1,613,610 alleles (5.3%); highest among the groups gnomAD compares: Admixed American, 6.7%; 2,520 homozygotes.

Submissions (8):

Women's Health and Genetics/Laboratory Corporation of America, LabCorp
Classification: Likely benign. Last evaluated: 2026-05-11. Review status: criteria provided, single submitter. Criteria: LabCorp Variant Classification Summary - May 2015. Collection method: clinical testing. Allele origin: germline.

Labcorp Genetics (formerly Invitae), Labcorp
Classification: Benign. Last evaluated: 2026-02-03. Review status: criteria provided, single submitter. Criteria: Invitae Variant Classification Sherloc (09022015). Collection method: clinical testing. Allele origin: germline.

Blueprint Genetics
Classification: Likely benign. Last evaluated: 2024-11-27. Review status: criteria provided, single submitter. Criteria: ACMG Guidelines, 2015. Collection method: clinical testing. Allele origin: germline.

Mayo Clinic Laboratories, Mayo Clinic
Classification: Benign. Last evaluated: 2024-02-08. Review status: criteria provided, single submitter. Criteria: ACMG Guidelines, 2015. Collection method: clinical testing. Allele origin: germline. Observed: 7 variant alleles.
Comment: BA1, BS2, BP4

GeneDx
Classification: Benign. Last evaluated: 2018-07-14. Review status: criteria provided, single submitter. Criteria: GeneDx Variant Classification Process June 2021. Collection method: clinical testing. Allele origin: germline. Affected: yes.
Comment: This variant is associated with the following publications: (PMID: 28666341)

Illumina Laboratory Services, Illumina
Classification: Likely benign for Thyroid dyshormonogenesis 6. Last evaluated: 2018-01-12. Review status: criteria provided, single submitter. Criteria: ICSL Variant Classification Criteria 13 December 2019. Collection method: clinical testing. Allele origin: germline.
Comment: This variant was observed in the ICSL laboratory as part of a predisposition screen in an ostensibly healthy population. It had not been previously curated by ICSL or reported in the Human Gene Mutation Database (HGMD: prior to June 1st, 2018), and was therefore a candidate for classification through an automated scoring system. Utilizing variant allele frequency, disease prevalence and penetrance estimates, and inheritance mode, an automated score was calculated to assess if this variant is too frequent to cause the disease. Based on the score and internal cut-off values, a variant classified as likely benign is not then subjected to further curation. The score for this variant resulted in a classification of likely benign for this disease.

Breakthrough Genomics
Classification: Likely benign. Review status: criteria provided, single submitter. Criteria: ACMG Guidelines, 2015. Collection method: not provided. Allele origin: germline. Inheritance: Autosomal recessive inheritance. Affected: yes.

PreventionGenetics, part of Exact Sciences
Classification: Benign. Review status: criteria provided, single submitter. Criteria: ACMG Guidelines, 2015. Collection method: clinical testing. Allele origin: germline.

Literature cited by the submitters: PubMed 28666341 (cited by Mayo Clinic Laboratories, Mayo Clinic).

NM_001363711.2(DUOX2):c.2944C>G (p.Pro982Ala)

Gene: DUOX2 (dual oxidase 2; minus strand). Cytogenetic location: 15q21.1.
Variant type: single nucleotide variant.
Coding change: c.2944C>G on transcript NM_001363711.2 (MANE Select); coding-DNA position 2944, C replaced by G.
Protein change: p.Pro982Ala; replaces proline 982 with alanine.
Molecular consequence: missense variant.
Genome position (GRCh38, 1-based): chr15:45,100,816, G>C on the plus strand (C>G on the coding strand, the complement: DUOX2 is on the minus strand). VCF-style: chr15-45100816-G-C. GRCh37 (hg19) VCF-style: chr15-45393014-G-C.
Other names: p.Pro982Ala; c.2944C>G, p.Pro982Ala (NM_014080.5); short protein forms P982A.
Identifiers: ClinVar variation 260322 (VCV000260322.19), dbSNP rs61730030, ClinGen allele CA7538066.